The following is an entry in ClinVar:

NM_000051.4(ATM):c.974A>T (p.His325Leu)

Gene: ATM (ATM serine/threonine kinase; plus strand). Cytogenetic location: 11q22.3.
Variant type: single nucleotide variant.
Coding change: c.974A>T on transcript NM_000051.4 (MANE Select); coding-DNA position 974, A replaced by T.
Protein change: p.His325Leu; replaces histidine 325 with leucine.
Molecular consequence: missense variant.
Genome position (GRCh38, 1-based): chr11:108,247,036, A>T. VCF-style: chr11-108247036-A-T. GRCh37 (hg19) VCF-style: chr11-108117763-A-T.
Other names: c.974A>T, p.His325Leu (NM_001351834.2); short protein forms H325L.
Identifiers: ClinVar variation 567449 (VCV000567449.9), dbSNP rs1565375244, ClinGen allele CA382531093.

ClinVar aggregate classification (germline): Uncertain significance. Review status: criteria provided, multiple submitters, no conflicts (2 of 4 stars). 2 submissions from 2 submitters: Uncertain significance (2). Last evaluated 2024-07-07.

Conditions:
Hereditary cancer-predisposing syndrome. Also called: Neoplastic Syndromes, Hereditary; Tumor predisposition; Hereditary Cancer Syndrome; Hereditary neoplastic syndrome. Identifiers: Orphanet 140162, MedGen C0027672, MeSH D009386, MONDO:0015356.
Ataxia-telangiectasia syndrome (AT). Also called: Ataxia telangiectasia (A-T); Ataxia-telangiectasia, complementation group D; AT, COMPLEMENTATION GROUP C; ATAXIA-TELANGIECTASIA, COMPLEMENTATION GROUP A; Ataxia-telangiectasia, complementation group E; ATAXIA-TELANGIECTASIA, FRESNO VARIANT. Identifiers: Orphanet 100, MedGen C0004135, MONDO:0008840, OMIM 208900.

Allele frequency attached by ClinVar (database versions not stated): gnomAD exomes below 0.00001.
gnomAD v4.1: 2 of 1,613,628 alleles (0.00012%); highest among the groups gnomAD compares: Non-Finnish European, 0.00017%; no homozygotes.

Submissions (2):

Ambry Genetics
Classification: Uncertain significance for Hereditary cancer-predisposing syndrome. Last evaluated: 2024-07-07. Review status: criteria provided, single submitter. Criteria: Ambry Variant Classification Scheme 2023. Collection method: clinical testing. Allele origin: germline.
Comment: The p.H325L variant (also known as c.974A>T), located in coding exon 7 of the ATM gene, results from an A to T substitution at nucleotide position 974. The histidine at codon 325 is replaced by leucine, an amino acid with similar properties. This amino acid position is conserved. In addition, this alteration is predicted to be tolerated by in silico analysis. Based on the available evidence, the clinical significance of this variant remains unclear.

Labcorp Genetics (formerly Invitae), Labcorp
Classification: Uncertain significance for Ataxia-telangiectasia syndrome. Last evaluated: 2023-03-18. Review status: criteria provided, single submitter. Criteria: Invitae Variant Classification Sherloc (09022015). Collection method: clinical testing. Allele origin: germline.
Comment: This sequence change replaces histidine, which is basic and polar, with leucine, which is neutral and non-polar, at codon 325 of the ATM protein (p.His325Leu). In summary, the available evidence is currently insufficient to determine the role of this variant in disease. Therefore, it has been classified as a Variant of Uncertain Significance. An algorithm developed to predict the effect of missense changes on protein structure and function (PolyPhen-2) suggests that this variant is likely to be tolerated. ClinVar contains an entry for this variant (Variation ID: 567449). This variant has not been reported in the literature in individuals affected with ATM-related conditions. This variant is not present in population databases (gnomAD no frequency).